The following is an entry in ClinVar:

ClinVar aggregate classification (germline): Uncertain significance (1 of 4 stars; one submission).

Allele frequency attached by ClinVar (database versions not stated): ExAC 0.00001; gnomAD exomes 0.00001; gnomAD 0.00003; TOPMed 0.00003.
gnomAD v4.1: 21 of 1,574,408 alleles (0.0013%); highest among the groups gnomAD compares: Non-Finnish European, 0.0017%; no homozygotes.

Submission:

Ambry Genetics
Classification: Uncertain significance. Last evaluated: 2023-09-04. Review status: criteria provided, single submitter. Criteria: Ambry Variant Classification Scheme 2023. Collection method: clinical testing. Allele origin: germline.
Comment: The p.S962N variant (also known as c.2885G>A), located in coding exon 16 of the POLQ gene, results from a G to A substitution at nucleotide position 2885. The serine at codon 962 is replaced by asparagine, an amino acid with highly similar properties. This amino acid position is conserved. In addition, this alteration is predicted to be tolerated by in silico analysis. Since supporting evidence is limited at this time, the clinical significance of this alteration remains unclear.

NM_199420.4(POLQ):c.2885G>A (p.Ser962Asn)

Gene: POLQ (DNA polymerase theta; minus strand). Cytogenetic location: 3q13.33.
Variant type: single nucleotide variant.
Coding change: c.2885G>A on transcript NM_199420.4 (MANE Select); coding-DNA position 2885, G replaced by A.
Protein change: p.Ser962Asn; replaces serine 962 with asparagine.
Molecular consequence: missense variant.
Genome position (GRCh38, 1-based): chr3:121,490,046, C>T on the plus strand (G>A on the coding strand, the complement: POLQ is on the minus strand). VCF-style: chr3-121490046-C-T. GRCh37 (hg19) VCF-style: chr3-121208893-C-T.
Other names: short protein forms S962N.
Identifiers: ClinVar variation 1797216 (VCV001797216.3), dbSNP rs772952342, ClinGen allele CA2563166.